The following is an entry in ClinVar:

ClinVar aggregate classification (germline): Uncertain significance. Review status: criteria provided, multiple submitters, no conflicts (2 of 4 stars). 5 submissions from 3 submitters: Uncertain significance (4). 1 of the submissions does not count toward it. Last evaluated 2024-04-12.

Conditions:
Budd-Chiari syndrome (BDCHS). Also called: Hepatic vein obstruction. Identifiers: Orphanet 131, MedGen C0856761, MONDO:0010947, OMIM 600880, HP:0002639.
Factor V deficiency. Also called: Reduced coagulation factor V activity. Identifiers: Orphanet 326, MedGen C4317320, MONDO:0020586, HP:0003225.
Thrombophilia due to thrombin defect (THPH1). Also called: Thrombosis susceptibility; THROMBOPHILIA DUE TO FACTOR 2 DEFECT; Prothrombin-Related Thrombophilia (Factor II); Prothrombin Thrombophilia. Identifiers: MedGen C3160733, MONDO:0008559, OMIM 188050. Disease mechanism: gain of function, loss of function.

Allele frequency attached by ClinVar (database versions not stated): gnomAD below 0.00001 and 0.00006; TOPMed below 0.00001; gnomAD exomes 0.00007 and 0.00016; ExAC 0.00015; 1000 Genomes Project 30x 0.00047; 1000 Genomes Project 0.00060.
gnomAD v4.1: 112 of 1,614,134 alleles (0.0069%); highest among the groups gnomAD compares: South Asian, 0.12%; no homozygotes.

Submissions (5):

Blueprint Genetics
Classification: Uncertain significance. Last evaluated: 2024-04-12. Review status: criteria provided, single submitter. Criteria: ACMG Guidelines, 2015. Collection method: clinical testing. Allele origin: germline.

Illumina Laboratory Services, Illumina
Classification: Uncertain significance for Venous thrombosis. Last evaluated: 2018-01-12. Review status: criteria provided, single submitter. Criteria: ICSL Variant Classification Criteria 13 December 2019. Collection method: clinical testing. Allele origin: germline.

Illumina Laboratory Services, Illumina
Classification: Uncertain significance for Budd-Chiari syndrome. Last evaluated: 2018-01-12. Review status: criteria provided, single submitter. Criteria: ICSL Variant Classification Criteria 13 December 2019. Collection method: clinical testing. Allele origin: germline.

Illumina Laboratory Services, Illumina
Classification: Uncertain significance for Congenital factor V deficiency. Last evaluated: 2018-01-12. Review status: criteria provided, single submitter. Criteria: ICSL Variant Classification Criteria 13 December 2019. Collection method: clinical testing. Allele origin: germline.

Department of Pathology and Laboratory Medicine, Sinai Health System
Classification: Uncertain significance. Review status: no assertion criteria provided. Collection method: clinical testing. Allele origin: unknown. Affected: yes. Study: The Canadian Open Genetics Repository (COGR). Not counted in ClinVar's aggregate classification.
Comment: The F5 p.Glu1152Ala variant is a missense substitution resulting in replacement of a Glutamine (Glu) residue with Alanine (Ala) at codon 1152. The variant was identified in control databases in 41 of 282664 chromosomes (282664 homozygous) at a frequency of 0.000145 (Genome Aggregation Database Feb 27, 2017). The variant was observed in the following populations: South Asian in 40 of 20612 chromosomes (freq: 0.000137), Other in 1 of 7216 chromosomes (freq: 0.000139) while the variant was not observed in the African, Latino, Ashkenazi Jewish, East Asian, European (Finnish), and European (non-Finnish) populations. The variant was not identified in the literature nor was it identified in the Cosmic, MutDB, LOVD 3.0, databases. The variant was identified in dbSNP (ID: rs543751483) "With Uncertain significance allele" by ClinVar. The variant was also identified in the ClinVar database and called "Uncertain significance" four times by Illumina Clinical Services Laboratory. Clinvar identifies the gene variant to be associated with the following conditions: Factor V Leiden deficiency (synonym: Thrombophilia due to activated protein C resistance), Venous thrombosis and Budd-Chiari syndrome. The variant was also identified in the Clinvitae database. Three out of 5 in silico splicing prediction software programs predict a greater than 10% difference in splicing (SpliceSiteFinder-Like, MaxEntScan, NNSPLICE). Loss of a 3' splice site is predicted at c.3456 (+1 basepair downstream from the variant) by SpliceSiteFinder-Like and gain of a 3' splice site is predicted at c.3461 (+6 basepairs downstream from the variant) by MaxEntScan. The p.Glu1152Ala residue is not conserved in mammals and four out of five computational analyses (PolyPhen-2, SIFT, AlignGVGD, MutationTaster) do not suggest a high likelihood of impact to the protein; however, this information is not predictive enough to rule out pathogenicity. In summary, based on the above information this variant cannot be determined with certainty at this time. This variant is classified as a variant of uncertain significance.

NM_000130.5(F5):c.3455A>C (p.Glu1152Ala)

Gene: F5 (coagulation factor V; minus strand). Cytogenetic location: 1q24.2.
Variant type: single nucleotide variant.
Coding change: c.3455A>C on transcript NM_000130.5 (MANE Select); coding-DNA position 3455, A replaced by C.
Protein change: p.Glu1152Ala; replaces glutamic acid 1152 with alanine.
Molecular consequence: missense variant.
Genome position (GRCh38, 1-based): chr1:169,541,635, T>G on the plus strand (A>C on the coding strand, the complement: F5 is on the minus strand). VCF-style: chr1-169541635-T-G. GRCh37 (hg19) VCF-style: chr1-169510873-T-G.
Other names: short protein forms E1152A.
Identifiers: ClinVar variation 293606 (VCV000293606.8), dbSNP rs543751483, ClinGen allele CA1233907.